The following is an entry in ClinVar:

ClinVar aggregate classification (germline): Uncertain significance. Review status: criteria provided, multiple submitters, no conflicts (2 of 4 stars). 4 submissions from 4 submitters: Uncertain significance (4). Last evaluated 2025-10-03.

Conditions:
Hereditary cancer-predisposing syndrome. Also called: Tumor predisposition; Neoplastic Syndromes, Hereditary; Hereditary neoplastic syndrome; Hereditary Cancer Syndrome. Identifiers: Orphanet 140162, MedGen C0027672, MeSH D009386, MONDO:0015356.
Familial adenomatous polyposis 2. Also called: MYH-associated polyposis; FAP type 2; COLORECTAL ADENOMATOUS POLYPOSIS, AUTOSOMAL RECESSIVE; ADENOMAS, MULTIPLE COLORECTAL, AUTOSOMAL RECESSIVE; MUTYH-related attenuated familial adenomatous polyposis; MUTYH Polyposis. Identifiers: Orphanet 220460, Orphanet 247798, MedGen C3272841, MONDO:0012041, OMIM 608456.

Allele frequency attached by ClinVar (database versions not stated): TOPMed below 0.00001; gnomAD 0.00001.
gnomAD v4.1: 1 of 1,614,124 alleles (0.000062%); highest among the groups gnomAD compares: African/African-American, 0.0013%; no homozygotes.

Submissions (4):

Labcorp Genetics (formerly Invitae), Labcorp
Classification: Uncertain significance for Familial adenomatous polyposis 2. Last evaluated: 2025-10-03. Review status: criteria provided, single submitter. Criteria: Invitae Variant Classification Sherloc (09022015). Collection method: clinical testing. Allele origin: germline.
Comment: This sequence change replaces glycine, which is neutral and non-polar, with glutamic acid, which is acidic and polar, at codon 440 of the MUTYH protein (p.Gly440Glu). This variant is not present in population databases (gnomAD no frequency). This variant has not been reported in the literature in individuals affected with MUTYH-related conditions. ClinVar contains an entry for this variant (Variation ID: 571319). An algorithm developed to predict the effect of missense changes on protein structure and function (PolyPhen-2) suggests that this variant is likely to be disruptive. In summary, the available evidence is currently insufficient to determine the role of this variant in disease. Therefore, it has been classified as a Variant of Uncertain Significance.

Ambry Genetics
Classification: Uncertain significance for Hereditary cancer-predisposing syndrome. Last evaluated: 2024-10-27. Review status: criteria provided, single submitter. Criteria: Ambry Variant Classification Scheme 2023. Collection method: clinical testing. Allele origin: germline.
Comment: The p.G440E variant (also known as c.1319G>A), located in coding exon 13 of the MUTYH gene, results from a G to A substitution at nucleotide position 1319. The glycine at codon 440 is replaced by glutamic acid, an amino acid with similar properties. This amino acid position is highly conserved in available vertebrate species. In addition, this alteration is predicted to be deleterious by in silico analysis. Since supporting evidence is limited at this time, the clinical significance of this alteration remains unclear.

Color Diagnostics, LLC DBA Color Health
Classification: Uncertain significance for Hereditary cancer-predisposing syndrome. Last evaluated: 2022-09-01. Review status: criteria provided, single submitter. Criteria: ACMG Guidelines, 2015. Collection method: clinical testing. Allele origin: germline.
Comment: This missense variant replaces glycine with glutamic acid at codon 440 of the MUTYH protein. Computational prediction suggests that this variant may not impact protein structure and function. To our knowledge, functional studies have not been reported for this variant. This variant has not been reported in individuals affected with hereditary cancer in the literature. This variant has not been identified in the general population by the Genome Aggregation Database (gnomAD). The available evidence is insufficient to determine the role of this variant in disease conclusively. Therefore, this variant is classified as a Variant of Uncertain Significance.

GeneDx
Classification: Uncertain significance. Last evaluated: 2019-06-26. Review status: criteria provided, single submitter. Criteria: GeneDx Variant Classification Process June 2021. Collection method: clinical testing. Allele origin: germline. Affected: yes.
Comment: Not observed in large population cohorts (Lek et al., 2016); In silico analysis, which includes protein predictors and evolutionary conservation, supports a deleterious effect; Has not been previously published as pathogenic or benign to our knowledge

NM_001048174.2(MUTYH):c.1235G>A (p.Gly412Glu)

Gene: MUTYH (mutY DNA glycosylase; minus strand). Cytogenetic location: 1p34.1.
Variant type: single nucleotide variant.
Coding change: c.1235G>A on transcript NM_001048174.2 (MANE Select); coding-DNA position 1235, G replaced by A.
Protein change: p.Gly412Glu; replaces glycine 412 with glutamic acid.
Molecular consequence: missense variant. On other transcripts: non-coding transcript variant (2).
Genome position (GRCh38, 1-based): chr1:45,331,424, C>T on the plus strand (G>A on the coding strand, the complement: MUTYH is on the minus strand). VCF-style: chr1-45331424-C-T. GRCh37 (hg19) VCF-style: chr1-45797096-C-T.
Other names: c.1235G>A, p.Gly412Glu (NM_001048171.2, NM_001048173.2, NM_001293195.2); c.1238G>A, p.Gly413Glu (NM_001048172.2); c.1319G>A, p.Gly440Glu (NM_001128425.2); c.1280G>A, p.Gly427Glu (NM_001293190.2); c.1268G>A, p.Gly423Glu (NM_001293191.2); c.959G>A, p.Gly320Glu (NM_001293192.2, NM_001293196.2); c.890G>A, p.Gly297Glu (NM_001350650.2, NM_001350651.2); c.1310G>A, p.Gly437Glu (NM_012222.3); short protein forms G440E, G427E, G413E, G423E, G437E, G297E, G320E, G412E.
Identifiers: ClinVar variation 571319 (VCV000571319.16), dbSNP rs1557458862, ClinGen allele CA340132832.